The following is an entry in ClinVar:

ClinVar aggregate classification (germline): Uncertain significance (1 of 4 stars; one submission).

gnomAD v4.1: 1 of 1,611,352 alleles (0.000062%); highest among the groups gnomAD compares: Admixed American, 0.0017%; no homozygotes.

Submission:

Ambry Genetics
Classification: Uncertain significance. Last evaluated: 2024-11-18. Review status: criteria provided, single submitter. Criteria: Ambry Variant Classification Scheme 2023. Collection method: clinical testing. Allele origin: germline.
Comment: The c.1049G>A (p.S350N) alteration is located in exon (coding exon ) of the SH3RF3 gene. This alteration results from a G to A substitution at nucleotide position 1049, causing the serine (S) at amino acid position 350 to be replaced by an asparagine (N). Based on insufficient or conflicting evidence, the clinical significance of this alteration remains unclear.

NM_001099289.3(SH3RF3):c.1049G>A (p.Ser350Asn)

Genes: RANBP2 (RAN binding protein 2; plus strand), SH3RF3 (SH3 domain containing ring finger 3; plus strand). Cytogenetic location: 2q13.
Variant type: single nucleotide variant.
Coding change: c.1049G>A on transcript NM_001099289.3 (MANE Select); coding-DNA position 1049, G replaced by A.
Protein change: p.Ser350Asn; replaces serine 350 with asparagine.
Molecular consequence: missense variant.
Genome position (GRCh38, 1-based): chr2:109,398,693, G>A. VCF-style: chr2-109398693-G-A. GRCh37 (hg19) VCF-style: chr2-110015149-G-A.
Other names: short protein forms S350N.
Identifiers: ClinVar variation 3441129 (VCV003441129.1).